The following is an entry in ClinVar:

NM_000535.7(PMS2):c.2088C>T (p.Phe696=)

Gene: PMS2 (PMS1 homolog 2, mismatch repair system component; minus strand). Cytogenetic location: 7p22.1.
Variant type: single nucleotide variant.
Coding change: c.2088C>T on transcript NM_000535.7 (MANE Select); coding-DNA position 2088, C replaced by T.
Protein change: p.Phe696=; no amino-acid change (phenylalanine 696 retained).
Molecular consequence: synonymous variant. On other transcripts: non-coding transcript variant (1), intron variant (4).
Genome position (GRCh38, 1-based): chr7:5,982,910, G>A on the plus strand (C>T on the coding strand, the complement: PMS2 is on the minus strand). VCF-style: chr7-5982910-G-A. GRCh37 (hg19) VCF-style: chr7-6022541-G-A.
Other names: c.1683C>T, p.Phe561= (NM_001018040.1, NM_001322003.2, NM_001322004.2 and 15 more transcripts); c.1932C>T, p.Phe644= (NM_001322006.2, NM_001406870.1); c.1770C>T, p.Phe590= (NM_001322007.2, NM_001322008.2, NM_001406876.1 and 1 more transcripts); c.1527C>T, p.Phe509= (NM_001322010.2, NM_001406906.1, NM_001406907.1); c.1155C>T, p.Phe385= (NM_001322011.2, NM_001322012.2); c.1515C>T, p.Phe505= (NM_001322013.2, NM_001406909.1); c.2088C>T, p.Phe696= (NM_001322014.2, NM_001406871.1); c.1779C>T, p.Phe593= (NM_001322015.2, NM_001406875.1, NM_001406877.1 and 5 more transcripts); and 16 more.
Identifiers: ClinVar variation 1785670 (VCV001785670.7), dbSNP rs1782455618, ClinGen allele CA453643353.
Genomic context (GRCh38, chr7:5,982,910, plus strand): 5'-GGTGTGCTGCTGCAGCATCTCGAAGTTATACTTCTCGTCCGTGGCATGCTGGTCCACTAT[G>A]AAGATATCCTCATTCAGTTTGGTTATTATAAATCCCAGGTTAAACTGACCAATGATTTCC-3'
Protein context (NP_000526.2, residues 686-706): FIITKLNEDI[Phe696=]IVDQHATDEK

ClinVar aggregate classification (germline): Benign/Likely benign. Review status: criteria provided, multiple submitters, no conflicts (2 of 4 stars). 4 submissions from 4 submitters: Benign (1); Likely benign (3). Last evaluated 2026-01-31.

Conditions:
Hereditary nonpolyposis colorectal neoplasms. Identifiers: MedGen C0009405, MeSH D003123.
Hereditary cancer-predisposing syndrome. Also called: Neoplastic Syndromes, Hereditary; Tumor predisposition; Hereditary Cancer Syndrome; Hereditary neoplastic syndrome. Identifiers: Orphanet 140162, MedGen C0027672, MeSH D009386, MONDO:0015356.
Lynch syndrome 4 (LYNCH4). Also called: Hereditary non-polyposis colorectal cancer, type 4; Colorectal cancer, hereditary nonpolyposis, type 4. Identifiers: Orphanet 144, MedGen C1838333, MONDO:0013699, OMIM 614337. Disease mechanism: loss of function.

Submissions (4):

Labcorp Genetics (formerly Invitae), Labcorp
Classification: Likely benign for Hereditary nonpolyposis colorectal neoplasms. Last evaluated: 2026-01-31. Review status: criteria provided, single submitter. Criteria: Invitae Variant Classification Sherloc (09022015). Collection method: clinical testing. Allele origin: germline.

Myriad Genetics, Inc.
Classification: Benign for Lynch syndrome 4. Last evaluated: 2025-02-03. Review status: criteria provided, single submitter. Criteria: Myriad Autosomal Dominant, Autosomal Recessive and X-Linked Classification Criteria (2023). Collection method: clinical testing. Allele origin: unknown.
Comment: This variant is considered benign. This variant is a silent/synonymous amino acid change and it is not expected to impact splicing.

Color Diagnostics, LLC DBA Color Health
Classification: Likely benign for Hereditary cancer-predisposing syndrome. Last evaluated: 2021-12-14. Review status: criteria provided, single submitter. Criteria: ACMG Guidelines, 2015. Collection method: clinical testing. Allele origin: germline.

Ambry Genetics
Classification: Likely benign for Hereditary cancer-predisposing syndrome. Last evaluated: 2019-11-14. Review status: criteria provided, single submitter. Criteria: Ambry Variant Classification Scheme 2023. Collection method: clinical testing. Allele origin: germline.